The following is an entry in ClinVar:

ClinVar aggregate classification (germline): Uncertain significance. Review status: criteria provided, multiple submitters, no conflicts (2 of 4 stars). 2 submissions from 2 submitters: Uncertain significance (2). Last evaluated 2022-04-28.

Conditions:
Cardiomyopathy (CMYO). Also called: Cardiomyopathies. Identifiers: Orphanet 167848, MedGen C0878544, MONDO:0004994, HP:0001638. Inheritance: Various modes of inheritance.
Hypertrophic cardiomyopathy. Also called: HYPERTROPHIC MYOCARDIOPATHY. Identifiers: Orphanet 217569, MedGen C0007194, MeSH D002312, MONDO:0005045, HP:0001639.

Allele frequency attached by ClinVar (database versions not stated): gnomAD exomes below 0.00001; gnomAD 0.00001.
gnomAD v4.1: 2 of 796,192 alleles (0.00025%); highest among the groups gnomAD compares: Admixed American, 0.0034%; no homozygotes.

Submissions (2):

Labcorp Genetics (formerly Invitae), Labcorp
Classification: Uncertain significance for Hypertrophic cardiomyopathy. Last evaluated: 2022-04-28. Review status: criteria provided, single submitter. Criteria: Invitae Variant Classification Sherloc (09022015). Collection method: clinical testing. Allele origin: germline.
Comment: In summary, the available evidence is currently insufficient to determine the role of this variant in disease. Therefore, it has been classified as a Variant of Uncertain Significance. Variants that disrupt the consensus splice site are a relatively common cause of aberrant splicing (PMID: 17576681, 9536098). Algorithms developed to predict the effect of sequence changes on RNA splicing suggest that this variant may disrupt the consensus splice site. ClinVar contains an entry for this variant (Variation ID: 1332081). This variant has not been reported in the literature in individuals affected with MYBPC3-related conditions. This variant is not present in population databases (gnomAD no frequency). This sequence change falls in intron 10 of the MYBPC3 gene. It does not directly change the encoded amino acid sequence of the MYBPC3 protein. It affects a nucleotide within the consensus splice site.

Color Diagnostics, LLC DBA Color Health
Classification: Uncertain significance for Cardiomyopathy. Last evaluated: 2021-08-05. Review status: criteria provided, single submitter. Criteria: ACMG Guidelines, 2015. Collection method: clinical testing. Allele origin: germline.
Comment: This variant causes an A to G nucleotide substitution at the +3 position of intron 10 of the MYBPC3 gene. Splice prediction tools and conservation analysis are inconclusive regarding the impact of this variant on RNA splicing. To our knowledge, functional studies have not been reported for this variant. This variant has not been reported in individuals affected with cardiovascular disorders in the literature. This variant has not been identified in the general population by the Genome Aggregation Database (gnomAD). The available evidence is insufficient to determine the role of this variant in disease conclusively. Therefore, this variant is classified as a Variant of Uncertain Significance.

Literature cited by the submitters: PubMed 17576681 (cited by Labcorp Genetics (formerly Invitae), Labcorp); PubMed 9536098 (cited by Labcorp Genetics (formerly Invitae), Labcorp).

NM_000256.3(MYBPC3):c.908+3A>G

Gene: MYBPC3 (myosin binding protein C3; minus strand). Cytogenetic location: 11p11.2.
Variant type: single nucleotide variant.
Coding change: c.908+3A>G on transcript NM_000256.3 (MANE Select); 3 bases into the intron after coding-DNA position 908, A replaced by G.
Molecular consequence: intron variant.
Genome position (GRCh38, 1-based): chr11:47,347,024, T>C on the plus strand (A>G on the coding strand, the complement: MYBPC3 is on the minus strand). VCF-style: chr11-47347024-T-C. GRCh37 (hg19) VCF-style: chr11-47368575-T-C.
Identifiers: ClinVar variation 1332081 (VCV001332081.7), dbSNP rs2095895009, ClinGen allele CA937657505.